The following is an entry in ClinVar:

NM_001145358.2(SIN3A):c.381A>G (p.Leu127=)

Gene: SIN3A (SIN3 transcription regulator family member A; minus strand). Cytogenetic location: 15q24.2.
Variant type: single nucleotide variant.
Coding change: c.381A>G on transcript NM_001145358.2 (MANE Select); coding-DNA position 381, A replaced by G.
Protein change: p.Leu127=; no amino-acid change (leucine 127 retained).
Molecular consequence: synonymous variant.
Genome position (GRCh38, 1-based): chr15:75,414,297, T>C on the plus strand (A>G on the coding strand, the complement: SIN3A is on the minus strand). VCF-style: chr15-75414297-T-C. GRCh37 (hg19) VCF-style: chr15-75706638-T-C.
Other names: c.381A>G, p.Leu127= (NM_001145357.2, NM_015477.3).
Identifiers: ClinVar variation 2967142 (VCV002967142.9), dbSNP rs767972969, ClinGen allele CA7667894.

ClinVar aggregate classification (germline): Likely benign. Review status: criteria provided, multiple submitters, no conflicts (2 of 4 stars). 2 submissions from 2 submitters: Likely benign (2). Last evaluated 2025-11-01.

Allele frequency attached by ClinVar (database versions not stated): ExAC 0.00002; TOPMed 0.00004; gnomAD 0.00005; gnomAD exomes 0.00007.
gnomAD v4.1: 98 of 1,513,148 alleles (0.0065%); highest among the groups gnomAD compares: African/African-American, 0.014%; no homozygotes.

Submissions (2):

CeGaT Center for Human Genetics Tuebingen
Classification: Likely benign. Last evaluated: 2025-11-01. Review status: criteria provided, single submitter. Criteria: CeGaT Center For Human Genetics Tuebingen Variant Classification Criteria Version 2. Collection method: clinical testing. Allele origin: germline. Affected: yes. Observed: 1 variant allele.
Comment: SIN3A: BP4, BP7

Labcorp Genetics (formerly Invitae), Labcorp
Classification: Likely benign. Last evaluated: 2024-01-24. Review status: criteria provided, single submitter. Criteria: Invitae Variant Classification Sherloc (09022015). Collection method: clinical testing. Allele origin: germline.